The following is an entry in ClinVar:

NM_002769.5(PRSS1):c.371C>G (p.Ser124Cys)

Genes: TRB (T cell receptor beta locus; plus strand), PRSS1 (serine protease 1; plus strand). Cytogenetic location: 7q34.
Variant type: single nucleotide variant.
Coding change: c.371C>G on transcript NM_002769.5 (MANE Select); coding-DNA position 371, C replaced by G.
Protein change: p.Ser124Cys; replaces serine 124 with cysteine.
Molecular consequence: missense variant. On other transcripts: non-coding transcript variant (5).
Genome position (GRCh38, 1-based): chr7:142,751,944, C>G. VCF-style: chr7-142751944-C-G. GRCh37 (hg19) VCF-style: chr7-142459795-C-G.
Other names: short protein forms S124C.
Identifiers: ClinVar variation 4745553 (VCV004745553.1).

ClinVar aggregate classification (germline): Uncertain significance (1 of 4 stars; one submission).

Conditions:
Hereditary pancreatitis (PCTT). Also called: Hereditary chronic pancreatitis; PRSS1-Related Hereditary Pancreatitis. Identifiers: Orphanet 676, MedGen C0238339, MONDO:0008185, OMIM 167800.

Submission:

Labcorp Genetics (formerly Invitae), Labcorp
Classification: Uncertain significance for Hereditary pancreatitis. Last evaluated: 2025-03-06. Review status: criteria provided, single submitter. Criteria: Invitae Variant Classification Sherloc (09022015). Collection method: clinical testing. Allele origin: germline.
Comment: This sequence change replaces serine, which is neutral and polar, with cysteine, which is neutral and slightly polar, at codon 124 of the PRSS1 protein (p.Ser124Cys). This variant is not present in population databases (gnomAD no frequency). This variant has not been reported in the literature in individuals affected with PRSS1-related conditions. Invitae Evidence Modeling of protein sequence and biophysical properties (such as structural, functional, and spatial information, amino acid conservation, physicochemical variation, residue mobility, and thermodynamic stability) indicates that this missense variant is not expected to disrupt PRSS1 protein function with a negative predictive value of 80%. In summary, the available evidence is currently insufficient to determine the role of this variant in disease. Therefore, it has been classified as a Variant of Uncertain Significance.